The following is an entry in ClinVar:

ClinVar aggregate classification (germline): Uncertain significance. Review status: criteria provided, multiple submitters, no conflicts (2 of 4 stars). 2 submissions from 2 submitters: Uncertain significance (2). Last evaluated 2026-07-13.

Conditions:
Ehlers-Danlos syndrome, classic type, 1 (EDSCL1). Also called: EHLERS-DANLOS SYNDROME, GRAVIS TYPE; EHLERS-DANLOS SYNDROME, SEVERE CLASSIC TYPE; EDS I; Ehlers-Danlos syndrome, type 1; Ehlers-Danlos Syndrome, Classic Type, COL5A1-Related. Identifiers: MedGen C0268335, MONDO:0019567, OMIM 130000.
Osteogenesis imperfecta type I (OI1). Also called: OI, TYPE I; OSTEOGENESIS IMPERFECTA TARDA; OSTEOGENESIS IMPERFECTA WITH BLUE SCLERAE; Classic Non-deforming Osteogenesis Imperfecta with Blue Sclerae; Osteogenesis imperfecta type 1; Lobstein's Disease. Identifiers: Orphanet 216796, Orphanet 666, MedGen C0023931, MONDO:0008146, OMIM 166200. Disease mechanism: loss of function.
Cardiovascular phenotype. Identifiers: MedGen CN230736.

gnomAD v4.1: 16 of 1,614,046 alleles (0.00099%); highest among the groups gnomAD compares: East Asian, 0.031%; no homozygotes.

Submissions (2):

Ambry Genetics
Classification: Uncertain significance for Cardiovascular phenotype. Last evaluated: 2026-07-13. Review status: criteria provided, single submitter. Criteria: Ambry Variant Classification Scheme 2023. Collection method: clinical testing. Allele origin: germline.
Comment: The p.I666T variant (also known as c.1997T>C), located in coding exon 33 of the COL1A2 gene, results from a T to C substitution at nucleotide position 1997. The isoleucine at codon 666 is replaced by threonine, an amino acid with similar properties. This variant was reported in individual(s) with features consistent with osteogenesis imperfecta (Wang Y et al. PLoS One, 2015 Mar;10:e0119553). This amino acid position is poorly conserved in available vertebrate species. In addition, the in silico prediction for this alteration is inconclusive. Based on the available evidence, the clinical significance of this variant remains unclear.

Labcorp Genetics (formerly Invitae), Labcorp
Classification: Uncertain significance for Osteogenesis imperfecta type I; Ehlers-Danlos syndrome, classic type, 1. Last evaluated: 2025-08-22. Review status: criteria provided, single submitter. Criteria: Invitae Variant Classification Sherloc (09022015). Collection method: clinical testing. Allele origin: germline.
Comment: This sequence change replaces isoleucine, which is neutral and non-polar, with threonine, which is neutral and polar, at codon 666 of the COL1A2 protein (p.Ile666Thr). This variant is present in population databases (rs767647161, gnomAD 0.05%). This variant has not been reported in the literature in individuals affected with COL1A2-related conditions. Invitae Evidence Modeling of protein sequence and biophysical properties (such as structural, functional, and spatial information, amino acid conservation, physicochemical variation, residue mobility, and thermodynamic stability) indicates that this missense variant is not expected to disrupt COL1A2 protein function with a negative predictive value of 95%. In summary, the available evidence is currently insufficient to determine the role of this variant in disease. Therefore, it has been classified as a Variant of Uncertain Significance.

Literature cited by the submitters: PubMed 25742658 (cited by Ambry Genetics).

NM_000089.4(COL1A2):c.1997T>C (p.Ile666Thr)

Gene: COL1A2 (collagen type I alpha 2 chain; plus strand). Cytogenetic location: 7q21.3.
Variant type: single nucleotide variant.
Coding change: c.1997T>C on transcript NM_000089.4 (MANE Select); coding-DNA position 1997, T replaced by C.
Protein change: p.Ile666Thr; replaces isoleucine 666 with threonine.
Molecular consequence: missense variant.
Genome position (GRCh38, 1-based): chr7:94,418,524, T>C. VCF-style: chr7-94418524-T-C. GRCh37 (hg19) VCF-style: chr7-94047836-T-C.
Other names: short protein forms I666T.
Identifiers: ClinVar variation 4789119 (VCV004789119.2).